The following is an entry in ClinVar:

ClinVar aggregate classification (germline): Uncertain significance. Review status: criteria provided, multiple submitters, no conflicts (2 of 4 stars). 2 submissions from 2 submitters: Uncertain significance (2). Last evaluated 2025-09-22.

Conditions:
Renal cell carcinoma. Identifiers: Orphanet 217071, MedGen C0007134, MeSH D002292, MONDO:0005086, HP:0005584.
Autosomal recessive nonsyndromic hearing loss 97. Also called: Deafness, autosomal recessive 97. Identifiers: Orphanet 90636, MedGen C4084709, MONDO:0014739, OMIM 616705.

Submissions (2):

Labcorp Genetics (formerly Invitae), Labcorp
Classification: Uncertain significance for Renal cell carcinoma. Last evaluated: 2025-09-22. Review status: criteria provided, single submitter. Criteria: Invitae Variant Classification Sherloc (09022015). Collection method: clinical testing. Allele origin: germline.
Comment: This sequence change replaces phenylalanine, which is neutral and non-polar, with serine, which is neutral and polar, at codon 228 of the MET protein (p.Phe228Ser). This variant is not present in population databases (gnomAD no frequency). This variant has not been reported in the literature in individuals affected with MET-related conditions. ClinVar contains an entry for this variant (Variation ID: 3241917). An algorithm developed to predict the effect of missense changes on protein structure and function (PolyPhen-2) suggests that this variant is likely to be disruptive. In summary, the available evidence is currently insufficient to determine the role of this variant in disease. Therefore, it has been classified as a Variant of Uncertain Significance.

Baylor Genetics
Classification: Uncertain significance for Autosomal recessive nonsyndromic hearing loss 97. Last evaluated: 2024-03-08. Review status: criteria provided, single submitter. Criteria: ACMG Guidelines, 2015. Collection method: clinical testing. Allele origin: unknown.

NM_000245.4(MET):c.683T>C (p.Phe228Ser)

Gene: MET (MET proto-oncogene, receptor tyrosine kinase; plus strand). Cytogenetic location: 7q31.2.
Variant type: single nucleotide variant.
Coding change: c.683T>C on transcript NM_000245.4 (MANE Select); coding-DNA position 683, T replaced by C.
Protein change: p.Phe228Ser; replaces phenylalanine 228 with serine.
Molecular consequence: missense variant. On other transcripts: intron variant (1).
Genome position (GRCh38, 1-based): chr7:116,699,767, T>C. VCF-style: chr7-116699767-T-C. GRCh37 (hg19) VCF-style: chr7-116339821-T-C.
Other names: c.683T>C, p.Phe228Ser (NM_001127500.3, NM_001324401.3); c.-91+27190T>C (NM_001324402.2); short protein forms F228S.
Identifiers: ClinVar variation 3241917 (VCV003241917.2), dbSNP rs2116595259.